The following is an entry in ClinVar:

ClinVar aggregate classification (germline): Likely pathogenic (1 of 4 stars; one submission).

Allele frequency attached by ClinVar (database versions not stated): gnomAD exomes below 0.00001; TOPMed below 0.00001; gnomAD 0.00001.
gnomAD v4.1: 4 of 1,612,832 alleles (0.00025%); highest among the groups gnomAD compares: Non-Finnish European, 0.00034%; no homozygotes.

Submission:

Labcorp Genetics (formerly Invitae), Labcorp
Classification: Likely pathogenic. Last evaluated: 2024-01-04. Review status: criteria provided, single submitter. Criteria: Invitae Variant Classification Sherloc (09022015). Collection method: clinical testing. Allele origin: germline.
Comment: This sequence change affects an acceptor splice site in intron 1 of the GPX4 gene. It is expected to disrupt RNA splicing. Variants that disrupt the donor or acceptor splice site typically lead to a loss of protein function (PMID: 16199547), and loss-of-function variants in GPX4 are known to be pathogenic (PMID: 24706940). This variant is not present in population databases (gnomAD no frequency). This variant has not been reported in the literature in individuals affected with GPX4-related conditions. Algorithms developed to predict the effect of sequence changes on RNA splicing suggest that this variant may disrupt the consensus splice site. In summary, the currently available evidence indicates that the variant is pathogenic, but additional data are needed to prove that conclusively. Therefore, this variant has been classified as Likely Pathogenic.

Literature cited by the submitters: PubMed 16199547; PubMed 24706940.

NM_002085.5(GPX4):c.85-1G>A

Gene: GPX4 (glutathione peroxidase 4; plus strand). Cytogenetic location: 19p13.3.
Variant type: single nucleotide variant.
Coding change: c.85-1G>A on transcript NM_002085.5 (MANE Select); the canonical splice acceptor site of the intron before coding-DNA position 85, G replaced by A.
Molecular consequence: splice acceptor variant.
Genome position (GRCh38, 1-based): chr19:1,105,185, G>A. VCF-style: chr19-1105185-G-A. GRCh37 (hg19) VCF-style: chr19-1105184-G-A.
Other names: c.85-1G>A (NM_001039847.3); c.4-1G>A (NM_001367832.1); c.196-1G>A (NM_001039848.4).
Identifiers: ClinVar variation 2705523 (VCV002705523.3), dbSNP rs1686505064, ClinGen allele CA402935450.